The following is an entry in ClinVar:

ClinVar aggregate classification (germline): Uncertain significance (1 of 4 stars; one submission).

Conditions:
Beckwith-Wiedemann syndrome (BWS). Also called: Exomphalos macroglossia gigantism syndrome; EMG SYNDROME. Identifiers: Orphanet 116, MedGen C0004903, MONDO:0007534, OMIM 130650.

Submission:

Labcorp Genetics (formerly Invitae), Labcorp
Classification: Uncertain significance for Beckwith-Wiedemann syndrome. Last evaluated: 2025-02-25. Review status: criteria provided, single submitter. Criteria: Invitae Variant Classification Sherloc (09022015). Collection method: clinical testing. Allele origin: germline.
Comment: This sequence change replaces arginine, which is basic and polar, with glycine, which is neutral and non-polar, at codon 72 of the CDKN1C protein (p.Arg72Gly). This variant is not present in population databases (gnomAD no frequency). This variant has not been reported in the literature in individuals affected with CDKN1C-related conditions. ClinVar contains an entry for this variant (Variation ID: 1980714). Invitae Evidence Modeling of protein sequence and biophysical properties (such as structural, functional, and spatial information, amino acid conservation, physicochemical variation, residue mobility, and thermodynamic stability) indicates that this missense variant is not expected to disrupt CDKN1C protein function with a negative predictive value of 80%. In summary, the available evidence is currently insufficient to determine the role of this variant in disease. Therefore, it has been classified as a Variant of Uncertain Significance.

NM_001122630.2(CDKN1C):c.181C>G (p.Arg61Gly)

Gene: CDKN1C (cyclin dependent kinase inhibitor 1C; minus strand). Cytogenetic location: 11p15.4.
Variant type: single nucleotide variant.
Coding change: c.181C>G on transcript NM_001122630.2 (MANE Select); coding-DNA position 181, C replaced by G.
Protein change: p.Arg61Gly; replaces arginine 61 with glycine.
Molecular consequence: missense variant.
Genome position (GRCh38, 1-based): chr11:2,885,276, G>C on the plus strand (C>G on the coding strand, the complement: CDKN1C is on the minus strand). VCF-style: chr11-2885276-G-C. GRCh37 (hg19) VCF-style: chr11-2906506-G-C.
Other names: c.214C>G, p.Arg72Gly (NM_000076.2, NM_001362474.2); c.181C>G, p.Arg61Gly (NM_001122631.2, NM_001362475.2); short protein forms R72G, R61G.
Identifiers: ClinVar variation 1980714 (VCV001980714.4), dbSNP rs2494389853, ClinGen allele CA379147372.